The following is an entry in ClinVar:

NM_001010874.5(TECRL):c.658-4G>T

Gene: TECRL (trans-2,3-enoyl-CoA reductase like; minus strand). Cytogenetic location: 4q13.1.
Variant type: single nucleotide variant.
Coding change: c.658-4G>T on transcript NM_001010874.5 (MANE Select); 4 bases into the intron before coding-DNA position 658, G replaced by T.
Molecular consequence: intron variant.
Genome position (GRCh38, 1-based): chr4:64,305,242, C>A on the plus strand (G>T on the coding strand, the complement: TECRL is on the minus strand). VCF-style: chr4-64305242-C-A. GRCh37 (hg19) VCF-style: chr4-65170960-C-A.
Other names: c.658-4G>T (NM_001363796.1).
Identifiers: ClinVar variation 4999087 (VCV004999087.1).

ClinVar aggregate classification (germline): Likely benign (1 of 4 stars; one submission).

Conditions:
TECRL-related disorder. Also called: TECRL-related condition.

gnomAD v4.1: 4 of 1,610,226 alleles (0.00025%); highest among the groups gnomAD compares: Non-Finnish European, 0.00034%; no homozygotes.

Submission:

PreventionGenetics, part of Exact Sciences
Classification: Likely benign for TECRL-related condition. Last evaluated: 2025-07-17. Review status: criteria provided, single submitter. Criteria: ACMG Guidelines, 2015. Collection method: clinical testing. Allele origin: germline.
Comment: This variant is classified as likely benign based on ACMG/AMP sequence variant interpretation guidelines (Richards et al. 2015 PMID: 25741868, with internal and published modifications).